The following is an entry in ClinVar:

NM_001042545.2(LTBP4):c.2467C>T (p.Pro823Ser)

Gene: LTBP4 (latent transforming growth factor beta binding protein 4; plus strand). Cytogenetic location: 19q13.2.
Variant type: single nucleotide variant.
Coding change: c.2467C>T on transcript NM_001042545.2 (MANE Select); coding-DNA position 2467, C replaced by T.
Protein change: p.Pro823Ser; replaces proline 823 with serine.
Molecular consequence: missense variant.
Genome position (GRCh38, 1-based): chr19:40,613,439, C>T. VCF-style: chr19-40613439-C-T. GRCh37 (hg19) VCF-style: chr19-41119345-C-T.
Other names: c.2668C>T, p.Pro890Ser (NM_001042544.1); c.2557C>T, p.Pro853Ser (NM_003573.2); short protein forms P823S, P853S, P890S.
Identifiers: ClinVar variation 451639 (VCV000451639.7), dbSNP rs780942572, ClinGen allele CA9448686.

ClinVar aggregate classification (germline): Uncertain significance. Review status: criteria provided, multiple submitters, no conflicts (2 of 4 stars). 3 submissions from 3 submitters: Uncertain significance (3). Last evaluated 2025-10-02.

Conditions:
Inborn genetic diseases. Identifiers: MedGen C0950123, MeSH D030342.

Allele frequency attached by ClinVar (database versions not stated): ExAC 0.00008; gnomAD 0.00003 and 0.00002; gnomAD exomes 0.00003 and 0.00006; TOPMed 0.00003.
gnomAD v4.1: 44 of 1,604,770 alleles (0.0027%); highest among the groups gnomAD compares: Middle Eastern, 0.049%; 1 homozygote.

Submissions (3):

Ambry Genetics
Classification: Uncertain significance for Inborn genetic diseases. Last evaluated: 2025-10-02. Review status: criteria provided, single submitter. Criteria: Ambry Variant Classification Scheme 2023. Collection method: clinical testing. Allele origin: germline.

Labcorp Genetics (formerly Invitae), Labcorp
Classification: Uncertain significance. Last evaluated: 2021-10-14. Review status: criteria provided, single submitter. Criteria: Invitae Variant Classification Sherloc (09022015). Collection method: clinical testing. Allele origin: germline.
Comment: This variant has not been reported in the literature in individuals affected with LTBP4-related conditions. This sequence change replaces proline with serine at codon 853 of the LTBP4 protein (p.Pro853Ser). The proline residue is highly conserved and there is a moderate physicochemical difference between proline and serine. This variant is present in population databases (rs780942572, ExAC 0.04%). ClinVar contains an entry for this variant (Variation ID: 451639). Experimental studies and prediction algorithms are not available or were not evaluated, and the functional significance of this variant is currently unknown. In summary, the available evidence is currently insufficient to determine the role of this variant in disease. Therefore, it has been classified as a Variant of Uncertain Significance.

GeneDx
Classification: Uncertain significance. Last evaluated: 2017-08-28. Review status: criteria provided, single submitter. Criteria: GeneDx Variant Classification (06012015). Collection method: clinical testing. Allele origin: germline. Affected: yes.
Comment: A variant of uncertain significance has been identified in the LTBP4 gene. The P853S variant has not been published as pathogenic or been reported as benign to our knowledge. This variant is not observed at a significant frequency in large population cohorts (Lek et al., 2016; 1000 Genomes Consortium et al., 2015; Exome Variant Server). The P853S variant is a non-conservative amino acid substitution, which is likely to impact secondary protein structure as these residues differ in polarity, charge, size and/or other properties. In silico analysis predicts this variant is probably damaging to the protein structure/function. However, this substitution occurs at a position that is only conserved in mammals and where serine (S) is present as the wild type in at least one species.